The following is an entry in ClinVar:

NM_001204375.2(NPR3):c.1582G>A (p.Glu528Lys)

Gene: NPR3 (natriuretic peptide receptor 3; plus strand). Cytogenetic location: 5p13.3.
Variant type: single nucleotide variant.
Coding change: c.1582G>A on transcript NM_001204375.2 (MANE Select); coding-DNA position 1582, G replaced by A.
Protein change: p.Glu528Lys; replaces glutamic acid 528 with lysine.
Molecular consequence: missense variant.
Genome position (GRCh38, 1-based): chr5:32,786,301, G>A. VCF-style: chr5-32786301-G-A. GRCh37 (hg19) VCF-style: chr5-32786407-G-A.
Other names: c.1579G>A, p.Glu527Lys (NM_000908.4); c.931G>A, p.Glu311Lys (NM_001204376.2); c.934G>A, p.Glu312Lys (NM_001363652.2); c.862G>A, p.Glu288Lys (NM_001364458.2); c.811G>A, p.Glu271Lys (NM_001364460.2); short protein forms E288K, E528K, E271K, E312K, E527K, E311K.
Identifiers: ClinVar variation 2014056 (VCV002014056.4), dbSNP rs369440509, ClinGen allele CA359469453.
Genomic context (GRCh38, chr5:32,786,301, plus strand): 5'-TACAGAATAACCATTGAGAGGCGAACCCAGCAAGAAGAAAGTAACCTTGGAAAACATCGG[G>A]AATTACGGGAAGATTCCATCAGATCCCATTTTTCAGTAGCTTAAAGGAAGCCCCCCACTT-3'
Protein context (NP_001191304.1, residues 518-538): QEESNLGKHR[Glu528Lys]LREDSIRSHF

ClinVar aggregate classification (germline): Uncertain significance (1 of 4 stars; one submission).

gnomAD v4.1: 1 of 1,589,714 alleles (0.000063%); highest among the groups gnomAD compares: Non-Finnish European, 0.000086%; no homozygotes.

Submission:

Labcorp Genetics (formerly Invitae), Labcorp
Classification: Uncertain significance. Last evaluated: 2022-07-04. Review status: criteria provided, single submitter. Criteria: Invitae Variant Classification Sherloc (09022015). Collection method: clinical testing. Allele origin: germline.
Comment: In summary, the available evidence is currently insufficient to determine the role of this variant in disease. Therefore, it has been classified as a Variant of Uncertain Significance. Algorithms developed to predict the effect of missense changes on protein structure and function are either unavailable or do not agree on the potential impact of this missense change (SIFT: "Deleterious"; PolyPhen-2: "Benign"; Align-GVGD: "Class C15"). This variant has not been reported in the literature in individuals affected with NPR3-related conditions. This variant is not present in population databases (gnomAD no frequency). This sequence change replaces glutamic acid, which is acidic and polar, with lysine, which is basic and polar, at codon 527 of the NPR3 protein (p.Glu527Lys).